The following is an entry in ClinVar:

NM_001034853.2(RPGR):c.1131C>T (p.Phe377=)

Gene: RPGR (retinitis pigmentosa GTPase regulator; minus strand). Cytogenetic location: Xp11.4.
Variant type: single nucleotide variant.
Coding change: c.1131C>T on transcript NM_001034853.2 (MANE Select); coding-DNA position 1131, C replaced by T.
Protein change: p.Phe377=; no amino-acid change (phenylalanine 377 retained).
Molecular consequence: synonymous variant. On other transcripts: non-coding transcript variant (6), intron variant (2).
Genome position (GRCh38, 1-based): chrX:38,299,070, G>A on the plus strand (C>T on the coding strand, the complement: RPGR is on the minus strand). VCF-style: chrX-38299070-G-A. GRCh37 (hg19) VCF-style: chrX-38158323-G-A.
Other names: c.1131C>T (NM_000328.2, NM_001034853.1); c.1131C>T, p.Phe377= (NM_000328.3, NM_001367247.1); c.1128C>T, p.Phe376= (NM_001367245.1, NM_001367249.1, NM_001367250.1); c.1161C>T, p.Phe387= (NM_001367248.1); c.1060-1618C>T (NM_001367251.1, NM_001367246.1).
Identifiers: ClinVar variation 1151929 (VCV001151929.12), dbSNP rs17852968, ClinGen allele CA10385534.

ClinVar aggregate classification (germline): Likely benign. Review status: criteria provided, multiple submitters, no conflicts (2 of 4 stars). 4 submissions from 4 submitters: Likely benign (4). Last evaluated 2026-04-29.

Conditions:
Primary ciliary dyskinesia. Also called: Ciliary dyskinesia. Identifiers: Orphanet 244, MedGen C0008780, MONDO:0016575, HP:0012265.
RPGR-related disorder. Also called: RPGR-related condition.

Allele frequency attached by ClinVar (database versions not stated): ExAC 0.00002; gnomAD 0.00002 and 0.00005; gnomAD exomes 0.00002 and 0.00003; TOPMed 0.00005.

Submissions (4):

Ambry Genetics
Classification: Likely benign for Primary ciliary dyskinesia. Last evaluated: 2026-04-29. Review status: criteria provided, single submitter. Criteria: Ambry Variant Classification Scheme 2023. Collection method: clinical testing. Allele origin: germline.

Labcorp Genetics (formerly Invitae), Labcorp
Classification: Likely benign for Primary ciliary dyskinesia. Last evaluated: 2026-01-13. Review status: criteria provided, single submitter. Criteria: Invitae Variant Classification Sherloc (09022015). Collection method: clinical testing. Allele origin: germline.

PreventionGenetics, part of Exact Sciences
Classification: Likely benign for RPGR-related condition. Last evaluated: 2025-12-16. Review status: criteria provided, single submitter. Criteria: ACMG Guidelines, 2015. Collection method: clinical testing. Allele origin: germline.
Comment: This variant is classified as likely benign based on ACMG/AMP sequence variant interpretation guidelines (Richards et al. 2015 PMID: 25741868, with internal and published modifications).

Blueprint Genetics
Classification: Likely benign. Last evaluated: 2022-03-16. Review status: criteria provided, single submitter. Criteria: ACMG Guidelines, 2015. Collection method: clinical testing. Allele origin: germline.